The following is an entry in ClinVar:

NM_001386298.1(CIC):c.3858G>A (p.Thr1286=)

Gene: CIC (capicua transcriptional repressor; plus strand). Cytogenetic location: 19q13.2.
Variant type: single nucleotide variant.
Coding change: c.3858G>A on transcript NM_001386298.1 (MANE Select); coding-DNA position 3858, G replaced by A.
Protein change: p.Thr1286=; no amino-acid change (threonine 1286 retained).
Molecular consequence: synonymous variant.
Genome position (GRCh38, 1-based): chr19:42,289,087, G>A. VCF-style: chr19-42289087-G-A. GRCh37 (hg19) VCF-style: chr19-42793239-G-A.
Other names: c.3858G>A, p.Thr1286= (NM_001304815.2, NM_001379480.1, NM_001379482.1 and 6 more transcripts); c.1131G>A, p.Thr377= (NM_001379484.1, NM_001379485.1, NM_001439189.1 and 3 more transcripts).
Identifiers: ClinVar variation 4873678 (VCV004873678.3).

ClinVar aggregate classification (germline): Likely benign. Review status: criteria provided, multiple submitters, no conflicts (2 of 4 stars). 2 submissions from 2 submitters: Likely benign (2). Last evaluated 2026-06-01.

gnomAD v4.1: 22 of 1,613,392 alleles (0.0014%); highest among the groups gnomAD compares: African/African-American, 0.0027%; no homozygotes.

Submissions (2):

CeGaT Center for Human Genetics Tuebingen
Classification: Likely benign. Last evaluated: 2026-06-01. Review status: criteria provided, single submitter. Criteria: CeGaT Center For Human Genetics Tuebingen Variant Classification Criteria Version 2. Collection method: clinical testing. Allele origin: germline. Affected: yes. Observed: 1 variant allele.
Comment: CIC: BP4, BP7

Blueprint Genetics
Classification: Likely benign. Last evaluated: 2024-10-08. Review status: criteria provided, single submitter. Criteria: ACMG Guidelines, 2015. Collection method: clinical testing. Allele origin: germline.